The following is an entry in ClinVar:

NM_015378.4(VPS13D):c.4873T>G (p.Ser1625Ala)

Gene: VPS13D (vacuolar protein sorting 13 homolog D; plus strand). Cytogenetic location: 1p36.22.
Variant type: single nucleotide variant.
Coding change: c.4873T>G on transcript NM_015378.4 (MANE Select); coding-DNA position 4873, T replaced by G.
Protein change: p.Ser1625Ala; replaces serine 1625 with alanine.
Molecular consequence: missense variant.
Genome position (GRCh38, 1-based): chr1:12,282,975, T>G. VCF-style: chr1-12282975-T-G. GRCh37 (hg19) VCF-style: chr1-12343032-T-G.
Other names: p.Ser1625Ala; c.4873T>G, p.Ser1625Ala (NM_018156.4); short protein forms S1625A.
Identifiers: ClinVar variation 3380856 (VCV003380856.1).

ClinVar aggregate classification (germline): Uncertain significance (1 of 4 stars; one submission).

gnomAD v4.1: 16 of 1,614,062 alleles (0.00099%); highest among the groups gnomAD compares: Admixed American, 0.0017%; no homozygotes.

Submission:

Mayo Clinic Laboratories, Mayo Clinic
Classification: Uncertain significance. Last evaluated: 2024-01-09. Review status: criteria provided, single submitter. Criteria: ACMG Guidelines, 2015. Collection method: clinical testing. Allele origin: germline. Observed: 1 variant allele.
Comment: BP4, PM2_moderate